The following is an entry in ClinVar:

NM_001005373.4(LRSAM1):c.1764C>A (p.Pro588=)

Gene: LRSAM1 (leucine rich repeat and sterile alpha motif containing 1; plus strand). Cytogenetic location: 9q33.3.
Variant type: single nucleotide variant.
Coding change: c.1764C>A on transcript NM_001005373.4 (MANE Select); coding-DNA position 1764, C replaced by A.
Protein change: p.Pro588=; no amino-acid change (proline 588 retained).
Molecular consequence: synonymous variant. On other transcripts: non-coding transcript variant (2).
Genome position (GRCh38, 1-based): chr9:127,496,029, C>A. VCF-style: chr9-127496029-C-A. GRCh37 (hg19) VCF-style: chr9-130258308-C-A.
Other names: p.Pro588=; c.1764C>A, p.Pro588= (NM_001005374.4, NM_001384142.1, NM_138361.5); c.1683C>A, p.Pro561= (NM_001190723.3); c.1665C>A, p.Pro555= (NM_001384143.1); c.975C>A, p.Pro325= (NM_001384144.1).
Identifiers: ClinVar variation 1151034 (VCV001151034.10), dbSNP rs749407044, ClinGen allele CA5247121.

ClinVar aggregate classification (germline): Likely benign. Review status: criteria provided, multiple submitters, no conflicts (2 of 4 stars). 2 submissions from 2 submitters: Likely benign (2). Last evaluated 2025-10-21.

Conditions:
Charcot-Marie-Tooth disease axonal type 2P. Also called: CHARCOT-MARIE-TOOTH NEUROPATHY, TYPE 2P; CHARCOT-MARIE-TOOTH DISEASE, AXONAL, TYPE 2G; CMT 2G; Charcot-Marie-Tooth Neuropathy Type 2G. Identifiers: Orphanet 300319, Orphanet 99941, MedGen C3280797, MONDO:0013753, OMIM 614436.

Allele frequency attached by ClinVar (database versions not stated): ExAC 0.00002; gnomAD exomes 0.00002 and 0.00003.
gnomAD v4.1: 49 of 1,612,620 alleles (0.003%); highest among the groups gnomAD compares: Non-Finnish European, 0.0041%; no homozygotes.

Submissions (2):

Labcorp Genetics (formerly Invitae), Labcorp
Classification: Likely benign for Charcot-Marie-Tooth disease axonal type 2P. Last evaluated: 2025-10-21. Review status: criteria provided, single submitter. Criteria: Invitae Variant Classification Sherloc (09022015). Collection method: clinical testing. Allele origin: germline.

Mayo Clinic Laboratories, Mayo Clinic
Classification: Likely benign. Last evaluated: 2025-08-13. Review status: criteria provided, single submitter. Criteria: ACMG Guidelines, 2015. Collection method: clinical testing. Allele origin: germline. Observed: 1 variant allele.
Comment: BP4, BP7